The following is an entry in ClinVar:

ClinVar aggregate classification (germline): Pathogenic (1 of 4 stars; one submission).

Submission:

Labcorp Genetics (formerly Invitae), Labcorp
Classification: Pathogenic. Last evaluated: 2023-03-26. Review status: criteria provided, single submitter. Criteria: Invitae Variant Classification Sherloc (09022015). Collection method: clinical testing. Allele origin: germline.
Comment: For these reasons, this variant has been classified as Pathogenic. This variant has not been reported in the literature in individuals affected with RERE-related conditions. This variant is not present in population databases (gnomAD no frequency). This sequence change creates a premature translational stop signal (p.Gln283Argfs*28) in the RERE gene. It is expected to result in an absent or disrupted protein product. Loss-of-function variants in RERE are known to be pathogenic (PMID: 27087320).

Literature cited by the submitters: PubMed 27087320.

NM_001042681.2(RERE):c.848del (p.Gln283fs)

Gene: RERE (arginine-glutamic acid dipeptide repeats; minus strand). Cytogenetic location: 1p36.23.
Variant type: Deletion.
Coding change: c.848del on transcript NM_001042681.2 (MANE Select); coding-DNA position 848, one base deleted (A; older notation c.848delA).
Protein change: p.Gln283fs; shifts the reading frame from glutamine 283.
Molecular consequence: frameshift variant.
Genome position (GRCh38, 1-based): chr1:8,508,658, T deleted on the plus strand (A on the coding strand, the reverse complement: RERE is on the minus strand). VCF-style (leftmost placement, unchanged base first): chr1-8508657-CT-C. GRCh37 (hg19) VCF-style: chr1-8568716-CT-C.
Other names: c.848del, p.Gln283fs (NM_012102.4); short protein forms Q283fs.
Identifiers: ClinVar variation 2802772 (VCV002802772.3), dbSNP rs2521897847, ClinGen allele CA2739272243.
Genomic context (GRCh38, chr1:8,508,657, plus strand): 5'-TATTAAGGAAGCTATGAAAATGAACTTCACCTGATGACTAGGACCGACACGAATCTCCCC[CT>C]GGGTACTGTTCAGCCTCCTGGAACAGAAATAGAGCAGATTAAGTTAGCGCAATACAGTTT-3'